The following is an entry in ClinVar:

ClinVar aggregate classification (germline): Pathogenic. Review status: criteria provided, multiple submitters, no conflicts (2 of 4 stars). 8 submissions from 8 submitters: Pathogenic (8). Last evaluated 2023-09-19.

Conditions:
Cardiovascular phenotype. Identifiers: MedGen CN230736.
Neuromuscular disease caused by qualitative or quantitative defects of dystrophin. Also called: Qualitative or quantitative defects of dystrophin. Identifiers: Orphanet 207085, MedGen C5679787, MONDO:0016147.
Duchenne muscular dystrophy (DMD). Also called: Duchenne Muscular Dystrophy (DMD); MUSCULAR DYSTROPHY, PSEUDOHYPERTROPHIC PROGRESSIVE, DUCHENNE TYPE. Identifiers: Orphanet 98896, MedGen C0013264, MONDO:0010679, OMIM 310200.

Allele frequency attached by ClinVar (database versions not stated): gnomAD exomes below 0.00001.
gnomAD v4.1: 2 of 1,209,046 alleles (0.00017%); highest among the groups gnomAD compares: Non-Finnish European, 0.00022%; no homozygotes.

Submissions (8):

Revvity Omics, Revvity
Classification: Pathogenic. Last evaluated: 2023-09-19. Review status: criteria provided, single submitter. Criteria: ACMG Guidelines, 2015. Collection method: clinical testing. Allele origin: germline.

Labcorp Genetics (formerly Invitae), Labcorp
Classification: Pathogenic for Duchenne muscular dystrophy. Last evaluated: 2023-08-06. Review status: criteria provided, single submitter. Criteria: Invitae Variant Classification Sherloc (09022015). Collection method: clinical testing. Allele origin: germline.
Comment: This variant is not present in population databases (gnomAD no frequency). This premature translational stop signal has been observed in individuals with Duchenne muscular dystrophy (PMID: 15723292, 21515508, 27593222). ClinVar contains an entry for this variant (Variation ID: 569802). For these reasons, this variant has been classified as Pathogenic. This sequence change creates a premature translational stop signal (p.Arg3034*) in the DMD gene. It is expected to result in an absent or disrupted protein product. Loss-of-function variants in DMD are known to be pathogenic (PMID: 16770791, 25007885).

Laboratory of Medical Genetics, National & Kapodistrian University of Athens
Classification: Pathogenic for Duchenne muscular dystrophy. Last evaluated: 2023-06-12. Review status: criteria provided, single submitter. Criteria: ACMG Guidelines, 2015. Collection method: clinical testing. Allele origin: germline. Affected: yes.
Comment: PVS1, PM2, PP5

Ambry Genetics
Classification: Pathogenic for Cardiovascular phenotype. Last evaluated: 2023-04-17. Review status: criteria provided, single submitter. Criteria: Ambry Variant Classification Scheme 2023. Collection method: clinical testing. Allele origin: germline.
Comment: The p.R3034* pathogenic mutation (also known as c.9100C>T), located in coding exon 61 of the DMD gene, results from a C to T substitution at nucleotide position 9100. This changes the amino acid from an arginine to a stop codon within coding exon 61. This variant has been detected in multiple affected individuals from dystrophinopathy cohorts, including males with Duchenne muscular dystrophy and females with milder presentations (Dent KM et al. Am J Med Genet A, 2005 Apr;134:295-8; Flanigan KM et al. Hum Mutat, 2009 Dec;30:1657-66; Soltanzadeh P et al. Neuromuscul Disord, 2010 Aug;20:499-504; Magri F et al. BMC Med Genet, 2011 Mar;12:37; Mah JK et al. Can J Neurol Sci, 2011 May;38:465-74; Forbes SC et al. Neuromuscul Disord, 2012 Oct;22 Suppl 2:S111-21; Guo R et al. J Hum Genet, 2015 Aug;60:435-42; Kim MJ et al. J Mol Diagn, 2016 Mar;18:253-9; Ebrahimi-Fakhari D et al. Front Pediatr, 2018 Oct;6:316; Kohli S et al. Indian J Pediatr, 2020 Jul;87:495-504; Brogna C et al. Neuromuscul Disord, 2021 Jun;31:479-488). This variant is considered to be rare based on population cohorts in the Genome Aggregation Database (gnomAD). In addition to the clinical data presented in the literature, this alteration is expected to result in loss of function by premature protein truncation or nonsense-mediated mRNA decay. As such, this alteration is interpreted as a disease-causing mutation.

Women's Health and Genetics/Laboratory Corporation of America, LabCorp
Classification: Pathogenic for Neuromuscular disease caused by qualitative or quantitative defects of dystrophin. Last evaluated: 2021-02-03. Review status: criteria provided, single submitter. Criteria: LabCorp Variant Classification Summary - May 2015. Collection method: clinical testing. Allele origin: germline.
Comment: Variant summary: DMD c.9100C>T (p.Arg3034X) results in a premature termination codon, predicted to cause a truncation of the encoded protein or absence of the protein due to nonsense mediated decay, which are commonly known mechanisms for disease. Truncations downstream of this position have been classified as pathogenic by our laboratory. The variant was absent in 179879 control chromosomes. c.9100C>T has been reported in the literature in individuals affected with Dystrophinopathies (e.g. Dent_2005, Juan-Mateu_2015, Cho_2017, Wang_2019). These data indicate that the variant is likely to be associated with disease. To our knowledge, no experimental evidence demonstrating an impact on protein function has been reported. Three clinical diagnostic laboratories have submitted clinical-significance assessments for this variant to ClinVar after 2014 without evidence for independent evaluation. All laboratories cited the variant as pathogenic. Based on the evidence outlined above, the variant was classified as pathogenic.

GeneDx
Classification: Pathogenic. Last evaluated: 2020-02-25. Review status: criteria provided, single submitter. Criteria: GeneDx Variant Classification Process June 2021. Collection method: clinical testing. Allele origin: germline. Affected: yes.
Comment: Reported previously in association with dystrophinopathy in several unrelated males (Dent et al., 2005; Flanigan et al., 2009; Cho et al, 2017); Nonsense variant predicted to result in protein truncation or nonsense mediated decay in a gene for which loss-of-function is a known mechanism of disease; Not observed in large population cohorts (Lek et al., 2016); Based on the understanding of this genetic alteration, it may be amenable to nonsense read-through therapy that is currently available or in clinical trial; This variant is associated with the following publications: (PMID: 19937601, 21396098, 25972034, 27593222, 25525159, 30833962, 15723292)

Athena Diagnostics
Classification: Pathogenic. Last evaluated: 2018-05-16. Review status: criteria provided, single submitter. Criteria: Athena Diagnostics Criteria. Collection method: clinical testing. Allele origin: germline.

Eurofins Ntd Llc (ga)
Classification: Pathogenic. Last evaluated: 2018-01-23. Review status: criteria provided, single submitter. Criteria: EGL Classification Definitions 2015. Collection method: clinical testing. Allele origin: germline. Observed: 1 variant allele, 1 hemizygote.

Literature cited by the submitters: PubMed 15723292 (cited by 4 submitters); PubMed 21515508 (cited by 3 submitters); PubMed 27593222 (cited by 3 submitters); PubMed 16770791 (cited by Labcorp Genetics (formerly Invitae), Labcorp); PubMed 25007885 (cited by Labcorp Genetics (formerly Invitae), Labcorp); PubMed 19937601 (cited by Ambry Genetics and Athena Diagnostics); PubMed 20630757 (cited by Ambry Genetics and Athena Diagnostics); PubMed 21396098 (cited by Ambry Genetics and Athena Diagnostics); PubMed 22980762 (cited by Ambry Genetics and Athena Diagnostics); PubMed 23536893 (cited by Ambry Genetics and Athena Diagnostics); PubMed 24349052 (cited by Ambry Genetics and Athena Diagnostics); PubMed 25972034 (cited by Ambry Genetics and Athena Diagnostics); PubMed 26743743 (cited by Ambry Genetics and Athena Diagnostics); PubMed 30406066 (cited by Ambry Genetics); PubMed 32358784 (cited by Ambry Genetics); PubMed 33773883 (cited by Ambry Genetics); PubMed 30833962 (cited by Women's Health and Genetics/Laboratory Corporation of America, LabCorp); PubMed 26284620 (cited by Women's Health and Genetics/Laboratory Corporation of America, LabCorp).

NM_004006.3(DMD):c.9100C>T (p.Arg3034Ter)

Gene: DMD (dystrophin; minus strand). Cytogenetic location: Xp21.2.
Variant type: single nucleotide variant.
Coding change: c.9100C>T on transcript NM_004006.3 (MANE Select); coding-DNA position 9100, C replaced by T.
Protein change: p.Arg3034Ter; replaces arginine 3034 with a stop codon.
Molecular consequence: nonsense.
Genome position (GRCh38, 1-based): chrX:31,348,619, G>A on the plus strand (C>T on the coding strand, the complement: DMD is on the minus strand). VCF-style: chrX-31348619-G-A. GRCh37 (hg19) VCF-style: chrX-31366736-G-A.
Other names: c.9076C>T, p.Arg3026Ter (NM_000109.4); c.9088C>T, p.Arg3030Ter (NM_004009.3); c.8731C>T, p.Arg2911Ter (NM_004010.3); c.5077C>T, p.Arg1693Ter (NM_004011.4); c.5068C>T, p.Arg1690Ter (NM_004012.4); c.1720C>T, p.Arg574Ter (NM_004013.3, NM_004020.4, NM_004021.3 and 2 more transcripts); c.913C>T, p.Arg305Ter (NM_004014.3); short protein forms R3034*, R1690*, R1693*, R305*, R2911*, R3026*, R3030*, R574*.
Identifiers: ClinVar variation 569802 (VCV000569802.25), dbSNP rs1569530432, ClinGen allele CA412653785.